The following is an entry in ClinVar:

NM_198576.4(AGRN):c.2732G>A (p.Arg911Gln)

Gene: AGRN (agrin; plus strand). Cytogenetic location: 1p36.33.
Variant type: single nucleotide variant.
Coding change: c.2732G>A on transcript NM_198576.4 (MANE Select); coding-DNA position 2732, G replaced by A.
Protein change: p.Arg911Gln; replaces arginine 911 with glutamine.
Molecular consequence: missense variant.
Genome position (GRCh38, 1-based): chr1:1,046,015, G>A. VCF-style: chr1-1046015-G-A. GRCh37 (hg19) VCF-style: chr1-981395-G-A.
Other names: c.2732G>A, p.Arg911Gln (NM_001305275.2); c.2417G>A, p.Arg806Gln (NM_001364727.2); short protein forms R911Q, R806Q.
Identifiers: ClinVar variation 541166 (VCV000541166.7), dbSNP rs773144997, ClinGen allele CA508789.
Genomic context (GRCh38, chr1:1,046,015, plus strand): 5'-GTGCCCCAGACGCTTCTGCGCCTGCGACCTGTGCGGAGATGCGCTGTGAGTTCGGTGCGC[G>A]GTGCGTGGAGGAGTCTGGCTCAGCCCACTGTGTCTGCCCGATGCTCACCTGTCCAGAGGC-3'
Protein context (NP_940978.2, residues 901-921): CAEMRCEFGA[Arg911Gln]CVEESGSAHC

ClinVar aggregate classification (germline): Uncertain significance (1 of 4 stars; one submission).

Conditions:
Congenital myasthenic syndrome 8. Also called: MYASTHENIC SYNDROME, CONGENITAL, DUE TO AGRIN DEFICIENCY; Myasthenic syndrome, congenital, 8, with pre- and postsynaptic defects. Identifiers: Orphanet 590, MedGen C3808739, MONDO:0014052, OMIM 615120.

Allele frequency attached by ClinVar (database versions not stated): TOPMed 0.00001; gnomAD 0.00002; ExAC 0.00006.
gnomAD v4.1: 44 of 1,613,868 alleles (0.0027%); highest among the groups gnomAD compares: Non-Finnish European, 0.0033%; no homozygotes.

Submission:

Labcorp Genetics (formerly Invitae), Labcorp
Classification: Uncertain significance for Congenital myasthenic syndrome 8. Last evaluated: 2022-09-10. Review status: criteria provided, single submitter. Criteria: Invitae Variant Classification Sherloc (09022015). Collection method: clinical testing. Allele origin: germline.
Comment: This sequence change replaces arginine, which is basic and polar, with glutamine, which is neutral and polar, at codon 911 of the AGRN protein (p.Arg911Gln). This variant is present in population databases (rs773144997, gnomAD 0.006%). This variant has not been reported in the literature in individuals affected with AGRN-related conditions. ClinVar contains an entry for this variant (Variation ID: 541166). Algorithms developed to predict the effect of missense changes on protein structure and function (SIFT, PolyPhen-2, Align-GVGD) all suggest that this variant is likely to be tolerated. Algorithms developed to predict the effect of sequence changes on RNA splicing suggest that this variant may create or strengthen a splice site. In summary, the available evidence is currently insufficient to determine the role of this variant in disease. Therefore, it has been classified as a Variant of Uncertain Significance.